The following is an entry in ClinVar:

NM_000038.6(APC):c.4312del (p.Thr1438fs)

Gene: APC (APC regulator of Wnt signaling pathway; plus strand). Cytogenetic location: 5q22.2.
Variant type: Deletion.
Coding change: c.4312del on transcript NM_000038.6 (MANE Select); coding-DNA position 4312, one base deleted (A; older notation c.4312delA).
Protein change: p.Thr1438fs; shifts the reading frame from threonine 1438.
Molecular consequence: frameshift variant. On other transcripts: non-coding transcript variant (2).
Genome position (GRCh38, 1-based): chr5:112,839,906, A deleted; the last of 4 consecutive A bases (chr5:112,839,903-112,839,906); deleting any one gives the same sequence. VCF-style (leftmost placement, unchanged base first): chr5-112839902-TA-T. GRCh37 (hg19) VCF-style: chr5-112175599-TA-T.
Other names: c.4312del, p.Thr1438fs (NM_001127510.3, NM_001354895.2, NM_001407450.1); c.4258del, p.Thr1420fs (NM_001127511.3); c.4366del, p.Thr1456fs (NM_001354896.2, NM_001407447.1, NM_001407448.1 and 1 more transcripts); c.4342del, p.Thr1448fs (NM_001354897.2); c.4237del, p.Thr1413fs (NM_001354898.2); c.4228del, p.Thr1410fs (NM_001354899.2); c.4189del, p.Thr1397fs (NM_001354900.2); c.4135del, p.Thr1379fs (NM_001354901.2, NM_001407453.1); and 12 more; short protein forms T1054fs, T1155fs, T1278fs, T1309fs, T1312fs, T1337fs, T1347fs, T1355fs.
Identifiers: ClinVar variation 2583708 (VCV002583708.4), dbSNP rs2533564562, ClinGen allele CA445964462.

ClinVar aggregate classification (germline): Pathogenic (1 of 4 stars; one submission).
ClinVar aggregate classification (oncogenicity): Likely oncogenic (1 of 4 stars; one submission).

Conditions:
Familial adenomatous polyposis 1 (FAP1). Also called: POLYPOSIS, ADENOMATOUS INTESTINAL; FAMILIAL ADENOMATOUS POLYPOSIS 1, ATTENUATED. Identifiers: MedGen C2713442, MONDO:0021056, OMIM 175100. Disease mechanism: loss of function.
Neoplasm. Also called: tumor; Neoplasms; Neoplasm (disease). Identifiers: MedGen C0027651, MeSH D009369, MONDO:0005070, HP:0002664.

Submissions (2):

Center for Genomic Medicine, Rigshospitalet, Copenhagen University Hospital
Classification: Likely oncogenic for Neoplasm. Last evaluated: 2025-03-04. Review status: criteria provided, single submitter. Criteria: ClinGen/CGC/VICC Guidelines for Oncogenicity, 2022. Collection method: clinical testing. Allele origin: somatic. Affected: yes.

Myriad Genetics, Inc.
Classification: Pathogenic for Familial adenomatous polyposis 1. Last evaluated: 2023-05-10. Review status: criteria provided, single submitter. Criteria: Myriad Autosomal Dominant, Autosomal Recessive and X-Linked Classification Criteria (2023). Collection method: clinical testing. Allele origin: unknown.
Comment: This variant is considered pathogenic. This variant creates a frameshift predicted to result in premature protein truncation.

Literature cited by the submitters: PubMed 34352208 (cited by Center for Genomic Medicine, Rigshospitalet, Copenhagen University Hospital).